The following is an entry in ClinVar:

ClinVar aggregate classification (germline): Uncertain significance (1 of 4 stars; one submission).

Conditions:
Leber congenital amaurosis 1 (LCA1). Also called: RETINAL BLINDNESS, CONGENITAL; Congenital absence of the rods and cones; Leber's congenital tapetoretinal degeneration; Leber's congenital tapetoretinal dysplasia; AMAUROSIS CONGENITA OF LEBER I. Identifiers: Orphanet 65, MedGen C2931258, MONDO:0008764, OMIM 204000.
Cone-rod dystrophy 6 (CORD6). Also called: RETINAL CONE DYSTROPHY 2; Cone dystrophy progressive. Identifiers: Orphanet 1872, MedGen C1866293, MONDO:0011143, OMIM 601777.

Submission:

Labcorp Genetics (formerly Invitae), Labcorp
Classification: Uncertain significance for Leber congenital amaurosis 1; Cone-rod dystrophy 6. Last evaluated: 2025-08-11. Review status: criteria provided, single submitter. Criteria: Invitae Variant Classification Sherloc (09022015). Collection method: clinical testing. Allele origin: germline.
Comment: This variant, c.1717_1719del, results in the deletion of 1 amino acid(s) of the GUCY2D protein (p.Ile573del), but otherwise preserves the integrity of the reading frame. This variant is not present in population databases (gnomAD no frequency). This variant has not been reported in the literature in individuals affected with GUCY2D-related conditions. Experimental studies and prediction algorithms are not available or were not evaluated, and the functional significance of this variant is currently unknown. In summary, the available evidence is currently insufficient to determine the role of this variant in disease. Therefore, it has been classified as a Variant of Uncertain Significance.

NM_000180.4(GUCY2D):c.1717_1719del (p.Ile573del)

Gene: GUCY2D (guanylate cyclase 2D, retinal; plus strand). Cytogenetic location: 17p13.1.
Variant type: Deletion.
Coding change: c.1717_1719del on transcript NM_000180.4 (MANE Select); coding-DNA positions 1717 to 1719, 3 bases deleted (ATC; older notation c.1717_1719delATC).
Protein change: p.Ile573del; deletes isoleucine 573.
Genome position (GRCh38, 1-based): chr17:8,009,554-8,009,556, ATC deleted. VCF-style (leftmost placement, unchanged base first): chr17-8009553-TATC-T. GRCh37 (hg19) VCF-style: chr17-7912871-TATC-T.
Other names: short protein forms I573del.
Identifiers: ClinVar variation 4785789 (VCV004785789.1).